The following is an entry in ClinVar:

NM_025099.6(CTC1):c.841T>C (p.Tyr281His)

Gene: CTC1 (CST telomere replication complex component 1; minus strand). Cytogenetic location: 17p13.1.
Variant type: single nucleotide variant.
Coding change: c.841T>C on transcript NM_025099.6 (MANE Select); coding-DNA position 841, T replaced by C.
Protein change: p.Tyr281His; replaces tyrosine 281 with histidine.
Molecular consequence: missense variant. On other transcripts: non-coding transcript variant (1).
Genome position (GRCh38, 1-based): chr17:8,236,294, A>G on the plus strand (T>C on the coding strand, the complement: CTC1 is on the minus strand). VCF-style: chr17-8236294-A-G. GRCh37 (hg19) VCF-style: chr17-8139612-A-G.
Other names: c.841T>C, p.Tyr281His (NM_001411067.1); short protein forms Y281H.
Identifiers: ClinVar variation 4810142 (VCV004810142.2).

ClinVar aggregate classification (germline): Uncertain significance. Review status: criteria provided, multiple submitters, no conflicts (2 of 4 stars). 2 submissions from 2 submitters: Uncertain significance (2). Last evaluated 2025-04-08.

Conditions:
Dyskeratosis congenita. Identifiers: Orphanet 1775, MedGen C0265965, MONDO:0015780.

Submissions (2):

Labcorp Genetics (formerly Invitae), Labcorp
Classification: Uncertain significance for Dyskeratosis congenita. Last evaluated: 2025-04-08. Review status: criteria provided, single submitter. Criteria: Invitae Variant Classification Sherloc (09022015). Collection method: clinical testing. Allele origin: germline.
Comment: This sequence change replaces tyrosine, which is neutral and polar, with histidine, which is basic and polar, at codon 281 of the CTC1 protein (p.Tyr281His). This variant is not present in population databases (gnomAD no frequency). This missense change has been observed in individuals with CTC1-related conditions (PMID: 25843205, 29146883). Invitae Evidence Modeling of protein sequence and biophysical properties (such as structural, functional, and spatial information, amino acid conservation, physicochemical variation, residue mobility, and thermodynamic stability) indicates that this missense variant is expected to disrupt CTC1 protein function with a positive predictive value of 80%. In summary, the available evidence is currently insufficient to determine the role of this variant in disease. Therefore, it has been classified as a Variant of Uncertain Significance.

Blueprint Genetics
Classification: Uncertain significance. Last evaluated: 2019-07-30. Review status: criteria provided, single submitter. Criteria: ACMG Guidelines, 2015. Collection method: clinical testing. Allele origin: germline.

Literature cited by the submitters: PubMed 25843205 (cited by Labcorp Genetics (formerly Invitae), Labcorp); PubMed 29146883 (cited by Labcorp Genetics (formerly Invitae), Labcorp).